The following is an entry in ClinVar:

NM_033028.5(BBS4):c.865-12TC[3]

Gene: BBS4 (Bardet-Biedl syndrome 4; plus strand). Cytogenetic location: 15q24.1.
Variant type: Microsatellite.
Coding change: c.865-12TC[3] on transcript NM_033028.5 (MANE Select); three copies in a row of the 2-base unit TC starting at c.865-12; the reference has four copies in a row; one copy, 2 bases deleted.
Molecular consequence: intron variant.
Genome position (GRCh38, 1-based): chr15:72,731,549-72,731,550, TC deleted; deleting any 2 consecutive bases within chr15:72,731,543-72,731,550 gives the same sequence; the position shown is the placement nearest the transcript's 3' end. VCF-style (leftmost placement, unchanged base first): chr15-72731542-TTC-T. GRCh37 (hg19) VCF-style: chr15-73023883-TTC-T.
Other names: c.796-12TC[3] (NM_001320665.2); c.349-12TC[3] (NM_001252678.2).
Identifiers: ClinVar variation 3031616 (VCV003031616.4), dbSNP rs2065823398, ClinGen allele CA2186916238.

ClinVar aggregate classification (germline): Likely benign. Review status: criteria provided, single submitter (1 of 4 stars). 2 submissions from 2 submitters: Likely benign (1). 1 of the submissions does not count toward it. Last evaluated 2024-11-19.

Conditions:
BBS4-related disorder. Also called: BBS4-related condition.
Bardet-Biedl syndrome (BBS). Identifiers: Orphanet 110, MedGen C0752166, MONDO:0015229.

Submissions (2):

Labcorp Genetics (formerly Invitae), Labcorp
Classification: Likely benign for Bardet-Biedl syndrome. Last evaluated: 2024-11-19. Review status: criteria provided, single submitter. Criteria: Invitae Variant Classification Sherloc (09022015). Collection method: clinical testing. Allele origin: germline.

PreventionGenetics, part of Exact Sciences
Classification: Likely benign for BBS4-related condition. Last evaluated: 2020-12-16. Review status: no assertion criteria provided. Collection method: clinical testing. Allele origin: germline. Not counted in ClinVar's aggregate classification.
Comment: This variant is classified as likely benign based on ACMG/AMP sequence variant interpretation guidelines (Richards et al. 2015 PMID: 25741868, with internal and published modifications).